The following is an entry in ClinVar:

NM_000554.6(CRX):c.660del (p.Tyr221fs)

Gene: CRX (cone-rod homeobox; plus strand). Cytogenetic location: 19q13.33.
Variant type: Deletion.
Coding change: c.660del on transcript NM_000554.6 (MANE Select); coding-DNA position 660, one base deleted (C; older notation c.660delC).
Protein change: p.Tyr221fs; shifts the reading frame from tyrosine 221.
Molecular consequence: frameshift variant.
Genome position (GRCh38, 1-based): chr19:47,839,727, C deleted; the last of 4 consecutive C bases (chr19:47,839,724-47,839,727); deleting any one gives the same sequence. VCF-style (leftmost placement, unchanged base first): chr19-47839723-AC-A. GRCh37 (hg19) VCF-style: chr19-48342980-AC-A.
Other names: short protein forms Y221fs.
Identifiers: ClinVar variation 218922 (VCV000218922.7), dbSNP rs864309707, ClinGen allele CA339652.

ClinVar aggregate classification (germline): Pathogenic. Review status: criteria provided, multiple submitters, no conflicts (2 of 4 stars). 3 submissions from 3 submitters: Pathogenic (3). Last evaluated 2024-04-17.

Conditions:
CRX-related disorders.
Benign concentric annular macular dystrophy. Identifiers: Orphanet 251287, MedGen C5561925, MONDO:0007934, OMIM 153870.
Cone-rod dystrophy 2 (CORD2). Also called: CONE-ROD RETINAL DYSTROPHY; Cone-rod retinal dystrophy 2. Identifiers: Orphanet 1872, MedGen C3489532, MONDO:0007362, OMIM 120970.
Leber congenital amaurosis 7 (LCA7). Identifiers: Orphanet 65, MedGen C3151192, MONDO:0013449, OMIM 613829.

Submissions (3):

Labcorp Genetics (formerly Invitae), Labcorp
Classification: Pathogenic for Cone-rod dystrophy 2; Leber congenital amaurosis 7. Last evaluated: 2024-04-17. Review status: criteria provided, single submitter. Criteria: Invitae Variant Classification Sherloc (09022015). Collection method: clinical testing. Allele origin: germline.
Comment: This sequence change creates a premature translational stop signal (p.Tyr221Thrfs*9) in the CRX gene. While this is not anticipated to result in nonsense mediated decay, it is expected to disrupt the last 79 amino acid(s) of the CRX protein. This variant is not present in population databases (gnomAD no frequency). This variant has not been reported in the literature in individuals affected with CRX-related conditions. ClinVar contains an entry for this variant (Variation ID: 218922). This variant disrupts a region of the CRX protein in which other variant(s) (p.Tyr258*) have been determined to be pathogenic (PMID: 22968130, 25270190). This suggests that this is a clinically significant region of the protein, and that variants that disrupt it are likely to be disease-causing. For these reasons, this variant has been classified as Pathogenic.

Blueprint Genetics
Classification: Pathogenic for CRX-related disorders. Last evaluated: 2021-06-02. Review status: criteria provided, single submitter. Criteria: ACMG Guidelines, 2015. Collection method: clinical testing. Allele origin: germline. Affected: yes. Observed: 3 variant alleles.

Lupski Lab, Baylor-Hopkins CMG, Baylor College of Medicine
Classification: Pathogenic for Bull's eye maculopathy. Last evaluated: 2014-09-25. Review status: criteria provided, single submitter. Criteria: Yamamoto et al. (Cell 2014). Collection method: research. Allele origin: unknown. Inheritance: Autosomal dominant inheritance. Affected: yes. Observed: 1 variant allele, 1 heterozygote.

Literature cited by the submitters: PubMed 22968130 (cited by Labcorp Genetics (formerly Invitae), Labcorp); PubMed 25270190 (cited by Labcorp Genetics (formerly Invitae), Labcorp).